The following is an entry in ClinVar:

NM_001129.5(AEBP1):c.2333C>A (p.Thr778Lys)

Gene: AEBP1 (AE binding protein 1; plus strand). Cytogenetic location: 7p13.
Variant type: single nucleotide variant.
Coding change: c.2333C>A on transcript NM_001129.5 (MANE Select); coding-DNA position 2333, C replaced by A.
Protein change: p.Thr778Lys; replaces threonine 778 with lysine.
Molecular consequence: missense variant.
Genome position (GRCh38, 1-based): chr7:44,112,673, C>A. VCF-style: chr7-44112673-C-A. GRCh37 (hg19) VCF-style: chr7-44152272-C-A.
Other names: short protein forms T778K.
Identifiers: ClinVar variation 1907234 (VCV001907234.3), dbSNP rs746762676, ClinGen allele CA4238179.
Genomic context (GRCh38, chr7:44,112,673, plus strand): 5'-TGGGAGCAAATCTGAACGGCGGCGAGCGGCTAGTATCCTACCCCTACGATATGGCCCGCA[C>A]GCCTACCCAGGAGCAGCTGCTGGCCGCAGCCATGGCAGCAGCCCGGGGGGAGGATGAGGA-3'
Protein context (NP_001120.3, residues 768-788): LVSYPYDMAR[Thr778Lys]PTQEQLLAAA

ClinVar aggregate classification (germline): Uncertain significance (1 of 4 stars; one submission).

Allele frequency attached by ClinVar (database versions not stated): ExAC 0.00001.
gnomAD v4.1: 30 of 1,613,062 alleles (0.0019%); highest among the groups gnomAD compares: South Asian, 0.0055%; no homozygotes.

Submission:

Labcorp Genetics (formerly Invitae), Labcorp
Classification: Uncertain significance. Last evaluated: 2024-12-02. Review status: criteria provided, single submitter. Criteria: Invitae Variant Classification Sherloc (09022015). Collection method: clinical testing. Allele origin: germline.
Comment: This sequence change replaces threonine, which is neutral and polar, with lysine, which is basic and polar, at codon 778 of the AEBP1 protein (p.Thr778Lys). This variant is present in population databases (rs746762676, gnomAD 0.007%). This variant has not been reported in the literature in individuals affected with AEBP1-related conditions. ClinVar contains an entry for this variant (Variation ID: 1907234). An algorithm developed to predict the effect of missense changes on protein structure and function (PolyPhen-2) suggests that this variant¬†is likely to be tolerated. In summary, the available evidence is currently insufficient to determine the role of this variant in disease. Therefore, it has been classified as a Variant of Uncertain Significance.